The following is an entry in ClinVar:

ClinVar aggregate classification (germline): Likely benign (1 of 4 stars; one submission).

gnomAD v4.1: 10 of 1,613,928 alleles (0.00062%); highest among the groups gnomAD compares: African/African-American, 0.0013%; no homozygotes.

Submission:

CeGaT Center for Human Genetics Tuebingen
Classification: Likely benign. Last evaluated: 2026-07-01. Review status: criteria provided, single submitter. Criteria: CeGaT Center For Human Genetics Tuebingen Variant Classification Criteria Version 2. Collection method: clinical testing. Allele origin: germline. Affected: yes. Observed: 2 variant alleles.
Comment: FAT2: BP4, BP7

NM_001447.3(FAT2):c.10945C>A (p.Arg3649=)

Genes: FAT2 (FAT atypical cadherin 2; minus strand), SLC36A1 (solute carrier family 36 member 1; plus strand). Cytogenetic location: 5q33.1.
Variant type: single nucleotide variant.
Coding change: c.10945C>A on transcript NM_001447.3 (MANE Select); coding-DNA position 10945, C replaced by A.
Protein change: p.Arg3649=; no amino-acid change (arginine 3649 retained).
Molecular consequence: synonymous variant.
Genome position (GRCh38, 1-based): chr5:151,521,648, G>T on the plus strand (C>A on the coding strand, the complement: FAT2 is on the minus strand). VCF-style: chr5-151521648-G-T. GRCh37 (hg19) VCF-style: chr5-150901209-G-T.
Identifiers: ClinVar variation 3234239 (VCV003234239.20), dbSNP rs142359154, ClinGen allele CA447415312.